The following is an entry in ClinVar:

ClinVar aggregate classification (germline): Pathogenic (1 of 4 stars; one submission).

Submission:

Labcorp Genetics (formerly Invitae), Labcorp
Classification: Pathogenic. Last evaluated: 2025-09-03. Review status: criteria provided, single submitter. Criteria: Invitae Variant Classification Sherloc (09022015). Collection method: clinical testing. Allele origin: germline.
Comment: This sequence change creates a premature translational stop signal (p.Glu222Lysfs*2) in the MYSM1 gene. It is expected to result in an absent or disrupted protein product. Loss-of-function variants in MYSM1 are known to be pathogenic (PMID: 24288411, 28115216). This variant is not present in population databases (gnomAD no frequency). This variant has not been reported in the literature in individuals affected with MYSM1-related conditions. ClinVar contains an entry for this variant (Variation ID: 2880869). For these reasons, this variant has been classified as Pathogenic.

Literature cited by the submitters: PubMed 24288411; PubMed 28115216.

NM_001085487.3(MYSM1):c.664del (p.Glu222fs)

Gene: MYSM1 (Myb like, SWIRM and MPN domains 1; minus strand). Cytogenetic location: 1p32.1.
Variant type: Deletion.
Coding change: c.664del on transcript NM_001085487.3 (MANE Select); coding-DNA position 664, one base deleted (G; older notation c.664delG).
Protein change: p.Glu222fs; shifts the reading frame from glutamic acid 222.
Molecular consequence: frameshift variant.
Genome position (GRCh38, 1-based): chr1:58,682,380, C deleted on the plus strand (G on the coding strand, the reverse complement: MYSM1 is on the minus strand). VCF-style (leftmost placement, unchanged base first): chr1-58682379-TC-T. GRCh37 (hg19) VCF-style: chr1-59148051-TC-T.
Other names: short protein forms E222fs.
Identifiers: ClinVar variation 2880869 (VCV002880869.3), dbSNP rs2524285749, ClinGen allele CA2739272567.